The following is an entry in ClinVar:

NM_000038.6(APC):c.3341G>A (p.Arg1114Gln)

Gene: APC (APC regulator of Wnt signaling pathway; plus strand). Cytogenetic location: 5q22.2.
Variant type: single nucleotide variant.
Coding change: c.3341G>A on transcript NM_000038.6 (MANE Select); coding-DNA position 3341, G replaced by A.
Protein change: p.Arg1114Gln; replaces arginine 1114 with glutamine.
Molecular consequence: missense variant.
Genome position (GRCh38, 1-based): chr5:112,838,935, G>A. VCF-style: chr5-112838935-G-A. GRCh37 (hg19) VCF-style: chr5-112174632-G-A.
Other names: c.3341G>A, p.Arg1114Gln (NM_001127510.3, NM_001354895.2); c.3287G>A, p.Arg1096Gln (NM_001127511.3); c.3395G>A, p.Arg1132Gln (NM_001354896.2); c.3371G>A, p.Arg1124Gln (NM_001354897.2); c.3266G>A, p.Arg1089Gln (NM_001354898.2); c.3257G>A, p.Arg1086Gln (NM_001354899.2); c.3218G>A, p.Arg1073Gln (NM_001354900.2); c.3164G>A, p.Arg1055Gln (NM_001354901.2); and 5 more; short protein forms R1096Q, R1114Q, R1013Q, R1073Q, R1055Q, R1089Q, R831Q, R1086Q.
Identifiers: ClinVar variation 216160 (VCV000216160.23), dbSNP rs753209586, ClinGen allele CA035094.

ClinVar aggregate classification (germline): Conflicting classifications of pathogenicity. Review status: criteria provided, conflicting classifications (1 of 4 stars). 5 submissions from 5 submitters: Uncertain significance (4); Likely benign (1). Last evaluated 2025-10-30.

Conditions:
APC-Associated Polyposis Disorders.
Classic or attenuated familial adenomatous polyposis. Identifiers: MedGen CN372698, MONDO:0021057.
Hereditary cancer-predisposing syndrome. Also called: Hereditary Cancer Syndrome; Hereditary neoplastic syndrome; Neoplastic Syndromes, Hereditary; Tumor predisposition. Identifiers: Orphanet 140162, MedGen C0027672, MeSH D009386, MONDO:0015356.
Familial adenomatous polyposis 1 (FAP1). Also called: FAMILIAL ADENOMATOUS POLYPOSIS 1, ATTENUATED; POLYPOSIS, ADENOMATOUS INTESTINAL. Identifiers: MedGen C2713442, MONDO:0021056, OMIM 175100. Disease mechanism: loss of function.

Allele frequency attached by ClinVar (database versions not stated): gnomAD exomes 0.00001 and 0.00002; TOPMed 0.00001; ExAC 0.00002; gnomAD 0.00002.
gnomAD v4.1: 19 of 1,613,972 alleles (0.0012%); highest among the groups gnomAD compares: African/African-American, 0.0053%; no homozygotes.

Submissions (5):

Ambry Genetics
Classification: Likely benign for Hereditary cancer-predisposing syndrome. Last evaluated: 2025-10-30. Review status: criteria provided, single submitter. Criteria: Ambry Variant Classification Scheme 2023. Collection method: clinical testing. Allele origin: germline.

Labcorp Genetics (formerly Invitae), Labcorp
Classification: Uncertain significance for Familial adenomatous polyposis 1. Last evaluated: 2025-09-11. Review status: criteria provided, single submitter. Criteria: Invitae Variant Classification Sherloc (09022015). Collection method: clinical testing. Allele origin: germline.
Comment: This sequence change replaces arginine, which is basic and polar, with glutamine, which is neutral and polar, at codon 1114 of the APC protein (p.Arg1114Gln). This variant is present in population databases (rs753209586, gnomAD 0.008%). This missense change has been observed in individual(s) with colorectal cancer (PMID: 28135145). ClinVar contains an entry for this variant (Variation ID: 216160). Invitae Evidence Modeling of protein sequence and biophysical properties (such as structural, functional, and spatial information, amino acid conservation, physicochemical variation, residue mobility, and thermodynamic stability) indicates that this missense variant is not expected to disrupt APC protein function with a negative predictive value of 95%. In summary, the available evidence is currently insufficient to determine the role of this variant in disease. Therefore, it has been classified as a Variant of Uncertain Significance.

All of Us Research Program, National Institutes of Health
Classification: Uncertain significance for Classic or attenuated familial adenomatous polyposis. Last evaluated: 2023-07-22. Review status: criteria provided, single submitter. Criteria: ACMG Guidelines, 2015. Collection method: clinical testing. Allele origin: germline. Inheritance: Autosomal dominant inheritance. Observed: 1 variant allele, 1 heterozygote.
Comment: This missense variant replaces arginine with glutamine at codon 1114 of the APC protein. Computational prediction suggests that this variant may not impact protein structure and function (internally defined REVEL score threshold <= 0.5, PMID: 27666373). To our knowledge, functional studies have not been reported for this variant. This variant has been reported in individuals affected with colon cancer in the literature (PMID: 28135145). This variant has been identified in 5/281838 chromosomes in the general population by the Genome Aggregation Database (gnomAD). The available evidence is insufficient to determine the role of this variant in disease conclusively. Therefore, this variant is classified as a Variant of Uncertain Significance.

This study involves interpretation of variants in research participants for the purpose of population health screening. Participant phenotype was not available at the time of variant classification. Additional details can be found in publication PMID: 35346344, PMCID: PMC8962531

Color Diagnostics, LLC DBA Color Health
Classification: Uncertain significance for Hereditary cancer-predisposing syndrome. Last evaluated: 2022-09-12. Review status: criteria provided, single submitter. Criteria: ACMG Guidelines, 2015. Collection method: clinical testing. Allele origin: germline.
Comment: This missense variant replaces arginine with glutamine at codon 1114 of the APC protein. Computational prediction suggests that this variant may not impact protein structure and function (internally defined REVEL score threshold <= 0.5, PMID: 27666373). To our knowledge, functional studies have not been reported for this variant. This variant has been reported in individuals affected with colon cancer in the literature (PMID: 28135145). This variant has been identified in 5/281838 chromosomes in the general population by the Genome Aggregation Database (gnomAD). The available evidence is insufficient to determine the role of this variant in disease conclusively. Therefore, this variant is classified as a Variant of Uncertain Significance.

Illumina Laboratory Services, Illumina
Classification: Uncertain significance for APC-Associated Polyposis Disorders. Last evaluated: 2018-01-13. Review status: criteria provided, single submitter. Criteria: ICSL Variant Classification Criteria 13 December 2019. Collection method: clinical testing. Allele origin: germline.

Literature cited by the submitters: PubMed 28135145 (cited by 4 submitters).